The following is an entry in ClinVar:

ClinVar aggregate classification (germline): Uncertain significance (1 of 4 stars; one submission).

Allele frequency attached by ClinVar (database versions not stated): gnomAD exomes below 0.00001; TOPMed below 0.00001.
gnomAD v4.1: 5 of 1,614,148 alleles (0.00031%); highest among the groups gnomAD compares: East Asian, 0.0022%; no homozygotes.

Submission:

Labcorp Genetics (formerly Invitae), Labcorp
Classification: Uncertain significance. Last evaluated: 2020-10-07. Review status: criteria provided, single submitter. Criteria: Invitae Variant Classification Sherloc (09022015). Collection method: clinical testing. Allele origin: germline.
Comment: In summary, the available evidence is currently insufficient to determine the role of this variant in disease. Therefore, it has been classified as a Variant of Uncertain Significance. Advanced modeling of protein sequence and biophysical properties (such as structural, functional, and spatial information, amino acid conservation, physicochemical variation, residue mobility, and thermodynamic stability) performed at Invitae indicates that this missense variant is not expected to disrupt CNGB1 protein function. This variant has not been reported in the literature in individuals with CNGB1-related conditions. This variant is not present in population databases (ExAC no frequency). This sequence change replaces glutamic acid with lysine at codon 452 of the CNGB1 protein (p.Glu452Lys). The glutamic acid residue is weakly conserved and there is a small physicochemical difference between glutamic acid and lysine.

NM_001297.5(CNGB1):c.1354G>A (p.Glu452Lys)

Gene: CNGB1 (cyclic nucleotide gated channel subunit beta 1; minus strand). Cytogenetic location: 16q21.
Variant type: single nucleotide variant.
Coding change: c.1354G>A on transcript NM_001297.5 (MANE Select); coding-DNA position 1354, G replaced by A.
Protein change: p.Glu452Lys; replaces glutamic acid 452 with lysine.
Molecular consequence: missense variant.
Genome position (GRCh38, 1-based): chr16:57,939,448, C>T on the plus strand (G>A on the coding strand, the complement: CNGB1 is on the minus strand). VCF-style: chr16-57939448-C-T. GRCh37 (hg19) VCF-style: chr16-57973352-C-T.
Other names: c.1336G>A, p.Glu446Lys (NM_001286130.2); short protein forms E446K, E452K.
Identifiers: ClinVar variation 1015387 (VCV001015387.8), dbSNP rs1961603783, ClinGen allele CA396072486.
Genomic context (GRCh38, chr16:57,939,448, plus strand): 5'-AGACATTCTTGCGCAACCCATCACCACCACCACCACACCTACCTCCTGAACTGGCAGCCT[C>T]GGCCTCAGCCTCAGGCTCCTCCTTGGTCTCCGCCCAGTCCTGGGGCTCCTTTTCAGCCTC-3'
Protein context (NP_001288.3, residues 442-462): ETKEEPEAEA[Glu452Lys]AASSGVPATK